The following is an entry in ClinVar:

NM_001199107.2(TBC1D24):c.469C>T (p.Arg157Cys)

Gene: TBC1D24 (TBC1 domain family member 24; plus strand). Cytogenetic location: 16p13.3.
Variant type: single nucleotide variant.
Coding change: c.469C>T on transcript NM_001199107.2 (MANE Select); coding-DNA position 469, C replaced by T.
Protein change: p.Arg157Cys; replaces arginine 157 with cysteine.
Molecular consequence: missense variant.
Genome position (GRCh38, 1-based): chr16:2,496,617, C>T. VCF-style: chr16-2496617-C-T. GRCh37 (hg19) VCF-style: chr16-2546618-C-T.
Other names: c.469C>T, p.Arg157Cys (NM_020705.3); short protein forms R157C.
Identifiers: ClinVar variation 3758998 (VCV003758998.3).

ClinVar aggregate classification (germline): Uncertain significance. Review status: criteria provided, multiple submitters, no conflicts (2 of 4 stars). 2 submissions from 2 submitters: Uncertain significance (2). Last evaluated 2024-06-27.

Conditions:
Developmental and epileptic encephalopathy, 1 (DEE1). Also called: X-linked infantile spasms; West's syndrome; Tonic spasms with clustering, arrest of psychomotor development and hypsarrhythmia on EEG; X-Linked Infantile Spasm Syndrome; OHTAHARA SYNDROME, X-LINKED; Epileptic encephalopathy, early infantile, 1. Identifiers: MedGen C3463992, MONDO:0010632, OMIM 308350. Disease mechanism: loss of function.
Autosomal dominant nonsyndromic hearing loss 65. Also called: Deafness, autosomal dominant 65; TBC1D24-Related Autosomal Dominant Nonsyndromic Hearing Loss (DFNA). Identifiers: Orphanet 90635, MedGen C3892048, MONDO:0014470, OMIM 616044.

Submissions (2):

Blueprint Genetics
Classification: Uncertain significance. Last evaluated: 2024-06-27. Review status: criteria provided, single submitter. Criteria: ACMG Guidelines, 2015. Collection method: clinical testing. Allele origin: germline.

Labcorp Genetics (formerly Invitae), Labcorp
Classification: Uncertain significance for Developmental and epileptic encephalopathy, 1; Autosomal dominant nonsyndromic hearing loss 65. Last evaluated: 2024-04-05. Review status: criteria provided, single submitter. Criteria: Invitae Variant Classification Sherloc (09022015). Collection method: clinical testing. Allele origin: germline.
Comment: This sequence change replaces arginine, which is basic and polar, with cysteine, which is neutral and slightly polar, at codon 157 of the TBC1D24 protein (p.Arg157Cys). The frequency data for this variant in the population databases is considered unreliable, as metrics indicate poor data quality at this position in the gnomAD database. This variant has not been reported in the literature in individuals affected with TBC1D24-related conditions. Advanced modeling of protein sequence and biophysical properties (such as structural, functional, and spatial information, amino acid conservation, physicochemical variation, residue mobility, and thermodynamic stability) has been performed at Invitae for this missense variant, however the output from this modeling did not meet the statistical confidence thresholds required to predict the impact of this variant on TBC1D24 protein function. In summary, the available evidence is currently insufficient to determine the role of this variant in disease. Therefore, it has been classified as a Variant of Uncertain Significance.